The following is an entry in ClinVar:

ClinVar aggregate classification (germline): Uncertain significance. Review status: criteria provided, multiple submitters, no conflicts (2 of 4 stars). 2 submissions from 2 submitters: Uncertain significance (2). Last evaluated 2021-12-23.

Conditions:
Ehlers-Danlos syndrome, classic type, 1 (EDSCL1). Also called: Ehlers-Danlos Syndrome, Classic Type, COL5A1-Related; EDS I; Ehlers-Danlos syndrome, type 1; EHLERS-DANLOS SYNDROME, GRAVIS TYPE; EHLERS-DANLOS SYNDROME, SEVERE CLASSIC TYPE. Identifiers: MedGen C0268335, MONDO:0019567, OMIM 130000.
Ehlers-Danlos syndrome, classic type (cEDS). Identifiers: Orphanet 287, MedGen C4225429, MONDO:0007522.

Allele frequency attached by ClinVar (database versions not stated): gnomAD exomes below 0.00001; TOPMed 0.00001; gnomAD 0.00001.
gnomAD v4.1: 2 of 1,613,676 alleles (0.00012%); highest among the groups gnomAD compares: Admixed American, 0.0033%; no homozygotes.

Submissions (2):

Labcorp Genetics (formerly Invitae), Labcorp
Classification: Uncertain significance for Ehlers-Danlos syndrome, classic type, 1. Last evaluated: 2021-12-23. Review status: criteria provided, single submitter. Criteria: Invitae Variant Classification Sherloc (09022015). Collection method: clinical testing. Allele origin: germline.
Comment: This sequence change falls in intron 3 of the COL5A1 gene. It does not directly change the encoded amino acid sequence of the COL5A1 protein. It affects a nucleotide within the consensus splice site. This variant is not present in population databases (gnomAD no frequency). This variant has not been reported in the literature in individuals affected with COL5A1-related conditions. ClinVar contains an entry for this variant (Variation ID: 547277). Variants that disrupt the consensus splice site are a relatively common cause of aberrant splicing (PMID: 17576681, 9536098). Algorithms developed to predict the effect of sequence changes on RNA splicing suggest that this variant may create or strengthen a splice site. In summary, the available evidence is currently insufficient to determine the role of this variant in disease. Therefore, it has been classified as a Variant of Uncertain Significance.

Center for Human Genetics, Inc
Classification: Uncertain significance for Ehlers-Danlos syndrome, classic type, 1. Last evaluated: 2016-11-01. Review status: criteria provided, single submitter. Criteria: ACMG Guidelines, 2015. Collection method: clinical testing. Allele origin: germline. Affected: yes.

Literature cited by the submitters: PubMed 17576681 (cited by Labcorp Genetics (formerly Invitae), Labcorp); PubMed 9536098 (cited by Labcorp Genetics (formerly Invitae), Labcorp).

NM_000093.5(COL5A1):c.492-3C>T

Gene: COL5A1 (collagen type V alpha 1 chain; plus strand). Cytogenetic location: 9q34.3.
Variant type: single nucleotide variant.
Coding change: c.492-3C>T on transcript NM_000093.5 (MANE Select); 3 bases into the intron before coding-DNA position 492, C replaced by T.
Molecular consequence: intron variant.
Genome position (GRCh38, 1-based): chr9:134,701,168, C>T. VCF-style: chr9-134701168-C-T. GRCh37 (hg19) VCF-style: chr9-137593014-C-T.
Other names: c.492-3C>T (NM_001278074.1).
Identifiers: ClinVar variation 547277 (VCV000547277.4), dbSNP rs1027866868, ClinGen allele CA201087243.
Genomic context (GRCh38, chr9:134,701,168, plus strand): 5'-GCAAAATTGCTTGAGCTGGCATCTGTGATCCAAGCCCTGTCTTCACCATCTGTTTCTTTG[C>T]AGGTGGCACAGAATTGCTCTCAGCGTCCACAAGAAAAATGTCACCTTGATCCTCGACTGT-3'